The following is an entry in ClinVar:

ClinVar aggregate classification (germline): Uncertain significance (1 of 4 stars; one submission).

Submission:

Ambry Genetics
Classification: Uncertain significance. Last evaluated: 2025-03-05. Review status: criteria provided, single submitter. Criteria: Ambry Variant Classification Scheme 2023. Collection method: clinical testing. Allele origin: germline.
Comment: The p.A607P variant (also known as c.1819G>C), located in coding exon 18 of the SRP72 gene, results from a G to C substitution at nucleotide position 1819. The alanine at codon 607 is replaced by proline, an amino acid with highly similar properties. This amino acid position is conserved. In addition, this alteration is predicted to be tolerated by in silico analysis. Based on the available evidence, the clinical significance of this variant remains unclear.

NM_006947.4(SRP72):c.1819G>C (p.Ala607Pro)

Gene: SRP72 (signal recognition particle 72; plus strand). Cytogenetic location: 4q12.
Variant type: single nucleotide variant.
Coding change: c.1819G>C on transcript NM_006947.4 (MANE Select); coding-DNA position 1819, G replaced by C.
Protein change: p.Ala607Pro; replaces alanine 607 with proline.
Molecular consequence: missense variant. On other transcripts: non-coding transcript variant (1).
Genome position (GRCh38, 1-based): chr4:56,500,676, G>C. VCF-style: chr4-56500676-G-C. GRCh37 (hg19) VCF-style: chr4-57366842-G-C.
Other names: c.1636G>C, p.Ala546Pro (NM_001267722.2); short protein forms A607P, A546P.
Identifiers: ClinVar variation 3801511 (VCV003801511.1).